The following is an entry in ClinVar:

NM_001039141.3(TRIOBP):c.2777G>A (p.Arg926His)

Gene: TRIOBP (TRIO and F-actin binding protein; plus strand). Cytogenetic location: 22q13.1.
Variant type: single nucleotide variant.
Coding change: c.2777G>A on transcript NM_001039141.3 (MANE Select); coding-DNA position 2777, G replaced by A.
Protein change: p.Arg926His; replaces arginine 926 with histidine.
Molecular consequence: missense variant.
Genome position (GRCh38, 1-based): chr22:37,725,333, G>A. VCF-style: chr22-37725333-G-A. GRCh37 (hg19) VCF-style: chr22-38121340-G-A.
Other names: short protein forms R926H.
Identifiers: ClinVar variation 1399306 (VCV001399306.7), dbSNP rs199624624, ClinGen allele CA10223962.

ClinVar aggregate classification (germline): Uncertain significance. Review status: criteria provided, multiple submitters, no conflicts (2 of 4 stars). 3 submissions from 3 submitters: Uncertain significance (3). Last evaluated 2026-04-06.

Conditions:
TRIOBP-related disorder. Also called: TRIOBP-related condition.

Allele frequency attached by ClinVar (database versions not stated): gnomAD exomes 0.00004 and 0.00008; ExAC 0.00007; ESP Exome Variant Server 0.00008; gnomAD 0.00014; 1000 Genomes Project 30x 0.00016; 1000 Genomes Project 0.00020; TOPMed 0.00023.
gnomAD v4.1: 83 of 1,613,486 alleles (0.0051%); highest among the groups gnomAD compares: African/African-American, 0.06%; no homozygotes.

Submissions (3):

PreventionGenetics, part of Exact Sciences
Classification: Uncertain significance for TRIOBP-related condition. Last evaluated: 2026-04-06. Review status: criteria provided, single submitter. Criteria: ACMG Guidelines, 2015. Collection method: clinical testing. Allele origin: germline.
Comment: The TRIOBP c.2777G>A variant is predicted to result in the amino acid substitution p.Arg926His. To our knowledge, this variant has not been reported in the literature. This variant is reported in 0.050% of alleles in individuals of African descent in gnomAD. At this time, the clinical significance of this variant is uncertain due to the absence of conclusive functional and genetic evidence.

GeneDx
Classification: Uncertain significance. Last evaluated: 2022-01-28. Review status: criteria provided, single submitter. Criteria: GeneDx Variant Classification Process June 2021. Collection method: clinical testing. Allele origin: germline. Affected: yes.
Comment: Reported in a patient with isolated unilateral microtia in published literature (Wang et al., 2017); In silico analysis supports that this missense variant does not alter protein structure/function; This variant is associated with the following publications: (PMID: 28968992)

Labcorp Genetics (formerly Invitae), Labcorp
Classification: Uncertain significance. Last evaluated: 2021-04-11. Review status: criteria provided, single submitter. Criteria: Invitae Variant Classification Sherloc (09022015). Collection method: clinical testing. Allele origin: germline.
Comment: In summary, the available evidence is currently insufficient to determine the role of this variant in disease. Therefore, it has been classified as a Variant of Uncertain Significance. Algorithms developed to predict the effect of missense changes on protein structure and function (SIFT, PolyPhen-2, Align-GVGD) all suggest that this variant is likely to be tolerated, but these predictions have not been confirmed by published functional studies and their clinical significance is uncertain. This variant has not been reported in the literature in individuals with TRIOBP-related conditions. This variant is present in population databases (rs199624624, ExAC 0.04%). This sequence change replaces arginine with histidine at codon 926 of the TRIOBP protein (p.Arg926His). The arginine residue is weakly conserved and there is a small physicochemical difference between arginine and histidine.